The following is an entry in ClinVar:

NM_001886.3(CRYBA4):c.300+6T>A

Gene: CRYBA4 (crystallin beta A4; plus strand). Cytogenetic location: 22q12.1.
Variant type: single nucleotide variant.
Coding change: c.300+6T>A on transcript NM_001886.3 (MANE Select); 6 bases into the intron after coding-DNA position 300, T replaced by A.
Molecular consequence: intron variant.
Genome position (GRCh38, 1-based): chr22:26,625,628, T>A. VCF-style: chr22-26625628-T-A. GRCh37 (hg19) VCF-style: chr22-27021592-T-A.
Identifiers: ClinVar variation 4823346 (VCV004823346.4).

ClinVar aggregate classification (germline): Uncertain significance (1 of 4 stars; one submission).

gnomAD v4.1: 11 of 1,613,418 alleles (0.00068%); highest among the groups gnomAD compares: Non-Finnish European, 0.00093%; no homozygotes.

Submission:

CeGaT Center for Human Genetics Tuebingen
Classification: Uncertain significance. Last evaluated: 2026-02-01. Review status: criteria provided, single submitter. Criteria: CeGaT Center For Human Genetics Tuebingen Variant Classification Criteria Version 2. Collection method: clinical testing. Allele origin: germline. Affected: yes. Observed: 1 variant allele.
Comment: CRYBA4: PP3